The following is an entry in ClinVar:

ClinVar aggregate classification (germline): Likely pathogenic. Review status: criteria provided, multiple submitters, no conflicts (2 of 4 stars). 2 submissions from 2 submitters: Likely pathogenic (2). Last evaluated 2021-04-12.

Conditions:
Hearing impairment. Also called: Impaired Hearing. Identifiers: MedGen C1384666, MONDO:0005365, HP:0000365.

Submissions (2):

Department of Otolaryngology – Head & Neck Surgery, Cochlear Implant Center
Classification: Likely pathogenic for Hearing impairment. Last evaluated: 2021-04-12. Review status: criteria provided, single submitter. Criteria: ClinGen HL ACMG Specifications v1. Collection method: clinical testing. Allele origin: germline. Affected: yes.
Comment: PVS1_Strong, PM2_Moderate

CeGaT Center for Human Genetics Tuebingen
Classification: Likely pathogenic. Last evaluated: 2017-01-01. Review status: criteria provided, single submitter. Criteria: CeGaT Center For Human Genetics Tuebingen Variant Classification Criteria Version 2. Collection method: clinical testing. Allele origin: germline. Affected: yes. Observed: 1 variant allele.

NM_001122659.3(EDNRB):c.878dup (p.Tyr293Ter)

Genes: EDNRB (endothelin receptor type B; minus strand), EDNRB-AS1 (EDNRB antisense RNA 1; plus strand). Cytogenetic location: 13q22.3.
Variant type: Duplication.
Coding change: c.878dup on transcript NM_001122659.3 (MANE Select); coding-DNA position 878, one base duplicated (A; older notation c.878dupA).
Protein change: p.Tyr293Ter; replaces tyrosine 293 with a stop codon.
Molecular consequence: nonsense. On other transcripts: frameshift variant (1).
Genome position (GRCh38, 1-based): chr13:77,901,131, T duplicated on the plus strand (A on the coding strand, the reverse complement: EDNRB is on the minus strand). VCF-style (leftmost placement, unchanged base first): chr13-77901130-A-AT. GRCh37 (hg19) VCF-style: chr13-78475265-A-AT.
Other names: c.878dup, p.Tyr293Ter (NM_000115.5, NM_003991.4); c.1148dup, p.Tyr383Terfs (NM_001201397.2); short protein forms Y293*, Y383*.
Identifiers: ClinVar variation 425030 (VCV000425030.46), dbSNP rs1064797177, ClinGen allele CA16621647.